The following is an entry in ClinVar:

NM_001372.4(DNAH9):c.3713G>A (p.Trp1238Ter)

Gene: DNAH9 (dynein axonemal heavy chain 9; plus strand). Cytogenetic location: 17p12.
Variant type: single nucleotide variant.
Coding change: c.3713G>A on transcript NM_001372.4 (MANE Select); coding-DNA position 3713, G replaced by A.
Protein change: p.Trp1238Ter; replaces tryptophan 1238 with a stop codon.
Molecular consequence: nonsense.
Genome position (GRCh38, 1-based): chr17:11,680,859, G>A. VCF-style: chr17-11680859-G-A. GRCh37 (hg19) VCF-style: chr17-11584176-G-A.
Other names: short protein forms W1238*.
Identifiers: ClinVar variation 4729372 (VCV004729372.1).

ClinVar aggregate classification (germline): Pathogenic (1 of 4 stars; one submission).

Submission:

Labcorp Genetics (formerly Invitae), Labcorp
Classification: Pathogenic. Last evaluated: 2025-10-23. Review status: criteria provided, single submitter. Criteria: Invitae Variant Classification Sherloc (09022015). Collection method: clinical testing. Allele origin: germline.
Comment: This sequence change creates a premature translational stop signal (p.Trp1238*) in the DNAH9 gene. It is expected to result in an absent or disrupted protein product. Loss-of-function variants in DNAH9 are known to be pathogenic (PMID: 30471718). This variant is not present in population databases (gnomAD no frequency). This variant has not been reported in the literature in individuals affected with DNAH9-related conditions. For these reasons, this variant has been classified as Pathogenic.

Literature cited by the submitters: PubMed 30471718.